The following is an entry in ClinVar:

ClinVar aggregate classification (germline): Conflicting classifications of pathogenicity. Review status: criteria provided, conflicting classifications (1 of 4 stars). 2 submissions from 2 submitters: Uncertain significance (1); Likely benign (1). Last evaluated 2024-11-14.

Conditions:
EHHADH-related disorder. Also called: EHHADH-related condition.

Submissions (2):

PreventionGenetics, part of Exact Sciences
Classification: Likely benign for EHHADH-related condition. Last evaluated: 2024-11-14. Review status: criteria provided, single submitter. Criteria: ACMG Guidelines, 2015. Collection method: clinical testing. Allele origin: germline.
Comment: This variant is classified as likely benign based on ACMG/AMP sequence variant interpretation guidelines (Richards et al. 2015 PMID: 25741868, with internal and published modifications).

Eurofins Ntd Llc (ga)
Classification: Uncertain significance. Last evaluated: 2017-12-21. Review status: criteria provided, single submitter. Criteria: EGL Classification Definitions 2015. Collection method: clinical testing. Allele origin: germline. Observed: 1 variant allele, 1 heterozygote.

NM_001966.4(EHHADH):c.78_80del (p.Thr27del)

Gene: EHHADH (enoyl-CoA hydratase and 3-hydroxyacyl CoA dehydrogenase; minus strand). Cytogenetic location: 3q27.2.
Variant type: Deletion.
Coding change: c.78_80del on transcript NM_001966.4 (MANE Select); coding-DNA positions 78 to 80, 3 bases deleted (GAC; older notation c.78_80delGAC).
Protein change: p.Thr27del; deletes threonine 27.
Molecular consequence: inframe deletion. On other transcripts: 5 prime UTR variant (1).
Genome position (GRCh38, 1-based): chr3:185,248,512-185,248,514, GTC deleted on the plus strand (GAC on the coding strand, the reverse complement: EHHADH is on the minus strand); deleting any 3 consecutive bases within chr3:185,248,512-185,248,516 gives the same sequence; the c. name uses the placement nearest the transcript's 3' end. VCF-style (leftmost placement, unchanged base first): chr3-185248511-AGTC-A. GRCh37 (hg19) VCF-style: chr3-184966299-AGTC-A.
Other names: c.78_80delGAC (NM_001966.3); c.-211_-209del (NM_001166415.2); short protein forms T27del.
Identifiers: ClinVar variation 595491 (VCV000595491.7), dbSNP rs781558131, ClinGen allele CA2739325.